The following is an entry in ClinVar:

NM_001129.5(AEBP1):c.116A>T (p.Glu39Val)

Gene: AEBP1 (AE binding protein 1; plus strand). Cytogenetic location: 7p13.
Variant type: single nucleotide variant.
Coding change: c.116A>T on transcript NM_001129.5 (MANE Select); coding-DNA position 116, A replaced by T.
Protein change: p.Glu39Val; replaces glutamic acid 39 with valine.
Molecular consequence: missense variant.
Genome position (GRCh38, 1-based): chr7:44,104,781, A>T. VCF-style: chr7-44104781-A-T. GRCh37 (hg19) VCF-style: chr7-44144380-A-T.
Other names: short protein forms E39V.
Identifiers: ClinVar variation 4688420 (VCV004688420.1).
Genomic context (GRCh38, chr7:44,104,781, plus strand): 5'-TGTGCCCTGGAGGGCGCCCGCAGACGGTGCTGACCGACGACGAGATCGAGGAGTTCCTCG[A>T]GGGCTTCCTGTCAGAGCTAGAACCTGAGCCCCGGGAGGACGACGTGGAGGCCCCGCCGCC-3'
Protein context (NP_001120.3, residues 29-49): LTDDEIEEFL[Glu39Val]GFLSELEPEP

ClinVar aggregate classification (germline): Uncertain significance (1 of 4 stars; one submission).

Submission:

Women's Health and Genetics/Laboratory Corporation of America, LabCorp
Classification: Uncertain significance. Last evaluated: 2025-12-10. Review status: criteria provided, single submitter. Criteria: LabCorp Variant Classification Summary - May 2015. Collection method: clinical testing. Allele origin: germline.
Comment: Variant summary: AEBP1 c.116A>T (p.Glu39Val) results in a non-conservative amino acid change in the encoded protein sequence. Algorithms developed to predict the effect of missense changes on protein structure and function are either unavailable or do not agree on the potential impact of this missense change. The variant was absent in 240652 control chromosomes. The available data on variant occurrences in the general population are insufficient to allow any conclusion about variant significance. To our knowledge, no occurrence of c.116A>T in individuals affected with AEBP1-related conditions and no experimental evidence demonstrating its impact on protein function have been reported. No submitters have cited clinical-significance assessments for this variant to ClinVar. Based on the evidence outlined above, the variant was classified as uncertain significance.